The following is an entry in ClinVar:

ClinVar aggregate classification (germline): Uncertain significance (1 of 4 stars; one submission).

gnomAD v4.1: 1 of 1,611,790 alleles (0.000062%); highest among the groups gnomAD compares: Non-Finnish European, 0.000085%; no homozygotes.

Submission:

Labcorp Genetics (formerly Invitae), Labcorp
Classification: Uncertain significance. Last evaluated: 2024-08-30. Review status: criteria provided, single submitter. Criteria: Invitae Variant Classification Sherloc (09022015). Collection method: clinical testing. Allele origin: germline.
Comment: This sequence change replaces glutamine, which is neutral and polar, with arginine, which is basic and polar, at codon 1280 of the SI protein (p.Gln1280Arg). This variant is not present in population databases (gnomAD no frequency). This variant has not been reported in the literature in individuals affected with SI-related conditions. Invitae Evidence Modeling of protein sequence and biophysical properties (such as structural, functional, and spatial information, amino acid conservation, physicochemical variation, residue mobility, and thermodynamic stability) has been performed for this missense variant. However, the output from this modeling did not meet the statistical confidence thresholds required to predict the impact of this variant on SI protein function. In summary, the available evidence is currently insufficient to determine the role of this variant in disease. Therefore, it has been classified as a Variant of Uncertain Significance.

NM_001041.4(SI):c.3839A>G (p.Gln1280Arg)

Gene: SI (sucrase-isomaltase; minus strand). Cytogenetic location: 3q26.1.
Variant type: single nucleotide variant.
Coding change: c.3839A>G on transcript NM_001041.4 (MANE Select); coding-DNA position 3839, A replaced by G.
Protein change: p.Gln1280Arg; replaces glutamine 1280 with arginine.
Molecular consequence: missense variant.
Genome position (GRCh38, 1-based): chr3:165,016,001, T>C on the plus strand (A>G on the coding strand, the complement: SI is on the minus strand). VCF-style: chr3-165016001-T-C. GRCh37 (hg19) VCF-style: chr3-164733789-T-C.
Other names: short protein forms Q1280R.
Identifiers: ClinVar variation 3652708 (VCV003652708.2).